The following is an entry in ClinVar:

NM_000516.7(GNAS):c.1084C>T (p.His362Tyr)

Gene: GNAS (GNAS complex locus; plus strand). Cytogenetic location: 20q13.32.
Variant type: single nucleotide variant.
Coding change: c.1084C>T on transcript NM_000516.7 (MANE Select); coding-DNA position 1084, C replaced by T.
Protein change: p.His362Tyr; replaces histidine 362 with tyrosine.
Molecular consequence: missense variant. On other transcripts: 3 prime UTR variant (2).
Genome position (GRCh38, 1-based): chr20:58,910,728, C>T. VCF-style: chr20-58910728-C-T. GRCh37 (hg19) VCF-style: chr20-57485783-C-T.
Other names: c.1087C>T, p.His363Tyr (NM_001077488.5); c.1039C>T, p.His347Tyr (NM_001077489.4); c.*945C>T (NM_001077490.3); c.907C>T, p.His303Tyr (NM_001309840.2, NM_001309861.2); c.988C>T, p.His330Tyr (NM_001410912.1); c.2968C>T, p.His990Tyr (NM_001410913.1); c.*990C>T (NM_016592.5); c.3013C>T, p.His1005Tyr (NM_080425.4); and 1 more; short protein forms H1005Y, H303Y, H330Y, H347Y, H348Y, H362Y, H363Y, H990Y.
Identifiers: ClinVar variation 3354642 (VCV003354642.2).
Genomic context (GRCh38, chr20:58,910,728, plus strand): 5'-TGTTTGTGCCCGCAGAGGATCAGCACTGCCAGTGGAGATGGGCGTCACTACTGCTACCCT[C>T]ATTTCACCTGCGCTGTGGACACTGAGAACATCCGCCGTGTGTTCAACGACTGCCGTGACA-3'
Protein context (NP_000507.1, residues 352-372): SGDGRHYCYP[His362Tyr]FTCAVDTENI

ClinVar aggregate classification (germline): Likely pathogenic (1 of 4 stars; one submission).

Conditions:
GNAS-related disorder. Identifiers: MedGen CN380105.

Submission:

PreventionGenetics, part of Exact Sciences
Classification: Likely pathogenic for GNAS-related condition. Last evaluated: 2024-10-17. Review status: criteria provided, single submitter. Criteria: ACMG Guidelines, 2015. Collection method: clinical testing. Allele origin: germline.
Comment: The GNAS c.1084C>T variant is predicted to result in the amino acid substitution p.His362Tyr. To our knowledge, this variant has not been reported in literature or public databases. A different amino acid substitution at this position (c.1085A>C, p.His362Pro) had been reported in a patient with pseudohypoparathyroidism type-Ia (Linglart et al. 2006. PubMed ID: 16484323). This variant is classified as likely pathogenic.